The following is an entry in ClinVar:

ClinVar aggregate classification (germline): Uncertain significance (1 of 4 stars; one submission).

Conditions:
Muscular dystrophy-dystroglycanopathy (congenital with impaired intellectual development), type B, 14. Also called: MUSCULAR DYSTROPHY, CONGENITAL, GMPPB-RELATED; Congenital muscular dystrophy-dystroglycanopathy with mental retardation, type B14; Muscular dystrophy-dystroglycanopathy (congenital with intellectual disability), type B14. Identifiers: MedGen C3809221, MONDO:0014141, OMIM 615351.
Muscular dystrophy-dystroglycanopathy (congenital with brain and eye anomalies), type A14. Also called: WALKER-WARBURG SYNDROME OR MUSCLE-EYE-BRAIN DISEASE, GMPPB-RELATED; Muscular dystrophy-dystroglycanopathy (congenital with brain and eye anomalies), type a, 14; Congenital Muscular Dystrophy-Dystroglycanopathy with Brain and Eye Anomalies Type A 14; Congenital muscular dystrophy-dystroglycanopathy with brain and eye anomalies, type A14. Identifiers: Orphanet 588, MedGen C3809216, MONDO:0014140, OMIM 615350.
Autosomal recessive limb-girdle muscular dystrophy type 2T. Also called: MUSCULAR DYSTROPHY-DYSTROGLYCANOPATHY, LIMB-GIRDLE, GMPPB-RELATED; MUSCULAR DYSTROPHY, LIMB-GIRDLE, TYPE 2T; Muscular dystrophy-dystroglycanopathy (limb-girdle), type c, 14; Limb-girdle muscular dystrophy-dystroglycanopathy, type C14. Identifiers: Orphanet 363623, MedGen C4518000, MONDO:0014142, OMIM 615352.

gnomAD v4.1: 4 of 1,613,784 alleles (0.00025%); highest among the groups gnomAD compares: Non-Finnish European, 0.00034%; no homozygotes.

Submission:

Labcorp Genetics (formerly Invitae), Labcorp
Classification: Uncertain significance for Autosomal recessive limb-girdle muscular dystrophy type 2T; Muscular dystrophy-dystroglycanopathy (congenital with brain and eye anomalies), type A14; Muscular dystrophy-dystroglycanopathy (congenital with impaired intellectual development), type B, 14. Last evaluated: 2025-09-09. Review status: criteria provided, single submitter. Criteria: Invitae Variant Classification Sherloc (09022015). Collection method: clinical testing. Allele origin: germline.
Comment: This sequence change replaces arginine, which is basic and polar, with histidine, which is basic and polar, at codon 155 of the GMPPB protein (p.Arg155His). This variant is not present in population databases (gnomAD no frequency). This missense change has been observed in individual(s) with GMPPB-related conditions (PMID: 27766311). Invitae Evidence Modeling of protein sequence and biophysical properties (such as structural, functional, and spatial information, amino acid conservation, physicochemical variation, residue mobility, and thermodynamic stability) indicates that this missense variant is not expected to disrupt GMPPB protein function with a negative predictive value of 80%. Studies have shown that this missense change alters GMPPB gene expression (PMID: 27766311). In summary, the available evidence is currently insufficient to determine the role of this variant in disease. Therefore, it has been classified as a Variant of Uncertain Significance.

Literature cited by the submitters: PubMed 27766311.

NM_021971.4(GMPPB):c.464G>A (p.Arg155His)

Gene: GMPPB (GDP-mannose pyrophosphorylase B; minus strand). Cytogenetic location: 3p21.31.
Variant type: single nucleotide variant.
Coding change: c.464G>A on transcript NM_021971.4 (MANE Select); coding-DNA position 464, G replaced by A.
Protein change: p.Arg155His; replaces arginine 155 with histidine.
Molecular consequence: missense variant.
Genome position (GRCh38, 1-based): chr3:49,722,693, C>T on the plus strand (G>A on the coding strand, the complement: GMPPB is on the minus strand). VCF-style: chr3-49722693-C-T. GRCh37 (hg19) VCF-style: chr3-49760126-C-T.
Other names: c.464G>A, p.Arg155His (NM_013334.4); short protein forms R155H.
Identifiers: ClinVar variation 4793673 (VCV004793673.1).